The following is an entry in ClinVar:

NM_001001888.4(VCX3B):c.*2C>T

Gene: VCX3B (variable charge X-linked 3B; plus strand). Cytogenetic location: Xp22.31.
Variant type: single nucleotide variant.
Coding change: c.*2C>T on transcript NM_001001888.4 (MANE Select); 2 bases downstream of the stop codon, C replaced by T.
Molecular consequence: 3 prime UTR variant.
Genome position (GRCh38, 1-based): chrX:8,466,385, C>T. VCF-style: chrX-8466385-C-T. GRCh37 (hg19) VCF-style: chrX-8434426-C-T.
Identifiers: ClinVar variation 2659943 (VCV002659943.24), dbSNP rs201151063, ClinGen allele CA10343464.
Genomic context (GRCh38, chrX:8,466,385, plus strand): 5'-GCGAGATGGAAGAACCACTGAGTCAGGAGAGCGAGATGGAAGAACTACCGAGTGTGTAGA[C>T]GGCCAAGTACTCCCCTATCTCCGAGAGCAGCGACTAAGTTCAGGCCCAGCCGCCAGACCT-3'

ClinVar aggregate classification (germline): Likely benign (1 of 4 stars; one submission).

Allele frequency attached by ClinVar (database versions not stated): gnomAD exomes 0.00097; ESP Exome Variant Server 0.00136; 1000 Genomes Project 30x 0.00146; 1000 Genomes Project 0.00159; gnomAD 0.00170; ExAC 0.00312.

Submission:

CeGaT Center for Human Genetics Tuebingen
Classification: Likely benign. Last evaluated: 2023-01-01. Review status: criteria provided, single submitter. Criteria: CeGaT Center For Human Genetics Tuebingen Variant Classification Criteria Version 2. Collection method: clinical testing. Allele origin: germline. Affected: yes. Observed: 2 variant alleles.
Comment: VCX3B: BS2